The following is an entry in ClinVar:

ClinVar aggregate classification (germline): Uncertain significance (1 of 4 stars; one submission).

Conditions:
Early Myoclonic Encephalopathy. Identifiers: MedGen C0270855.

Allele frequency attached by ClinVar (database versions not stated): gnomAD 0.00002; gnomAD exomes 0.00003; ExAC 0.00002; TOPMed 0.00003; ESP Exome Variant Server 0.00017.
gnomAD v4.1: 56 of 1,607,578 alleles (0.0035%); highest among the groups gnomAD compares: Non-Finnish European, 0.0041%; no homozygotes.

Submission:

Labcorp Genetics (formerly Invitae), Labcorp
Classification: Uncertain significance for Early Myoclonic Encephalopathy. Last evaluated: 2025-04-23. Review status: criteria provided, single submitter. Criteria: Invitae Variant Classification Sherloc (09022015). Collection method: clinical testing. Allele origin: germline.
Comment: This sequence change falls in intron 24 of the JMJD1C gene. It does not directly change the encoded amino acid sequence of the JMJD1C protein. It affects a nucleotide within the consensus splice site. This variant is present in population databases (rs368879650, gnomAD 0.01%). This variant has not been reported in the literature in individuals affected with JMJD1C-related conditions. ClinVar contains an entry for this variant (Variation ID: 2022015). Variants that disrupt the consensus splice site are a relatively common cause of aberrant splicing (PMID: 17576681, 9536098). Algorithms developed to predict the effect of sequence changes on RNA splicing suggest that this variant is not likely to affect RNA splicing. In summary, the available evidence is currently insufficient to determine the role of this variant in disease. Therefore, it has been classified as a Variant of Uncertain Significance.

Literature cited by the submitters: PubMed 17576681; PubMed 9536098.

NM_032776.3(JMJD1C):c.7401+3A>G

Gene: JMJD1C (jumonji domain containing 1C; minus strand). Cytogenetic location: 10q21.3.
Variant type: single nucleotide variant.
Coding change: c.7401+3A>G on transcript NM_032776.3 (MANE Select); 3 bases into the intron after coding-DNA position 7401, A replaced by G.
Molecular consequence: intron variant.
Genome position (GRCh38, 1-based): chr10:63,176,294, T>C on the plus strand (A>G on the coding strand, the complement: JMJD1C is on the minus strand). VCF-style: chr10-63176294-T-C. GRCh37 (hg19) VCF-style: chr10-64936054-T-C.
Other names: c.6744+3A>G (NM_001322258.2, NM_001322254.2); c.6855+3A>G (NM_001318154.2, NM_001282948.2); c.7287+3A>G (NM_001322252.2); c.6537+3A>G (NM_001318153.2).
Identifiers: ClinVar variation 2022015 (VCV002022015.4), dbSNP rs368879650, ClinGen allele CA5517663.